The following is an entry in ClinVar:

ClinVar aggregate classification (germline): Uncertain significance. Review status: criteria provided, multiple submitters, no conflicts (2 of 4 stars). 2 submissions from 2 submitters: Uncertain significance (2). Last evaluated 2025-11-24.

Conditions:
Left ventricular noncompaction 1 (LVNC1). Also called: LEFT VENTRICULAR NONCOMPACTION 1 WITH OR WITHOUT CONGENITAL HEART DEFECTS. Identifiers: Orphanet 54260, MedGen C1858725, MONDO:0011403, OMIM 604169.

Allele frequency attached by ClinVar (database versions not stated): gnomAD exomes below 0.00001 and 0.00001; TOPMed below 0.00001; ExAC 0.00001; gnomAD 0.00001; ESP Exome Variant Server 0.00008.
gnomAD v4.1: 14 of 1,613,974 alleles (0.00087%); highest among the groups gnomAD compares: Middle Eastern, 0.016%; no homozygotes.

Submissions (2):

Ambry Genetics
Classification: Uncertain significance. Last evaluated: 2025-11-24. Review status: criteria provided, single submitter. Criteria: Ambry Variant Classification Scheme 2023. Collection method: clinical testing. Allele origin: germline.

Labcorp Genetics (formerly Invitae), Labcorp
Classification: Uncertain significance for Left ventricular noncompaction 1. Last evaluated: 2025-04-11. Review status: criteria provided, single submitter. Criteria: Invitae Variant Classification Sherloc (09022015). Collection method: clinical testing. Allele origin: germline.
Comment: This sequence change replaces histidine, which is basic and polar, with arginine, which is basic and polar, at codon 275 of the DTNA protein (p.His275Arg). This variant is present in population databases (rs373047659, gnomAD 0.002%). This variant has not been reported in the literature in individuals affected with DTNA-related conditions. ClinVar contains an entry for this variant (Variation ID: 1413211). Invitae Evidence Modeling of protein sequence and biophysical properties (such as structural, functional, and spatial information, amino acid conservation, physicochemical variation, residue mobility, and thermodynamic stability) indicates that this missense variant is not expected to disrupt DTNA protein function with a negative predictive value of 80%. In summary, the available evidence is currently insufficient to determine the role of this variant in disease. Therefore, it has been classified as a Variant of Uncertain Significance.

NM_001386795.1(DTNA):c.824A>G (p.His275Arg)

Gene: DTNA (dystrobrevin alpha; plus strand). Cytogenetic location: 18q12.1.
Variant type: single nucleotide variant.
Coding change: c.824A>G on transcript NM_001386795.1 (MANE Select); coding-DNA position 824, A replaced by G.
Protein change: p.His275Arg; replaces histidine 275 with arginine.
Molecular consequence: missense variant. On other transcripts: intron variant (1).
Genome position (GRCh38, 1-based): chr18:34,818,278, A>G. VCF-style: chr18-34818278-A-G. GRCh37 (hg19) VCF-style: chr18-32398242-A-G.
Other names: c.824A>G (NM_032978.6); c.824A>G, p.His275Arg (NM_001128175.2, NM_001198938.2, NM_001198939.2 and 34 more transcripts); c.74A>G, p.His25Arg (NM_001198943.1); c.603+6165A>G (NM_001198945.2); short protein forms H25R, H275R.
Identifiers: ClinVar variation 1413211 (VCV001413211.7), dbSNP rs373047659, ClinGen allele CA8935466.